The following is an entry in ClinVar:

ClinVar aggregate classification (germline): Pathogenic (1 of 4 stars; one submission).

Submission:

Labcorp Genetics (formerly Invitae), Labcorp
Classification: Pathogenic. Last evaluated: 2024-01-06. Review status: criteria provided, single submitter. Criteria: Invitae Variant Classification Sherloc (09022015). Collection method: clinical testing. Allele origin: germline.
Comment: This variant is a gross deletion of the genomic region encompassing exon(s) 1 of the TUBB2A gene, which includes the initiator codon. This deletion extends beyond the assayed region for this gene and therefore may encompass additional genes. It is expected to result in an absent or disrupted protein product. However, the current clinical and genetic evidence is not sufficient to establish whether loss-of-function variants in TUBB2A cause disease. A similar copy number variant has been observed in individual(s) with clinical features of TUBB2A-related conditions (Invitae). In at least one individual the variant was observed to be de novo. For these reasons, this variant has been classified as Pathogenic.

NC_000006.11:g.(?_3157621)_(3157697_?)del

Gene: TUBB2A (tubulin beta 2A class IIa; minus strand). Cytogenetic location: 6p25.2.
Variant type: Deletion.
Identifiers: ClinVar variation 1455244 (VCV001455244.7).